The following is an entry in ClinVar:

ClinVar aggregate classification (germline): Likely benign. Review status: criteria provided, multiple submitters, no conflicts (2 of 4 stars). 4 submissions from 4 submitters: Likely benign (4). Last evaluated 2026-01-14.

Conditions:
Hypertrophic cardiomyopathy. Also called: HYPERTROPHIC MYOCARDIOPATHY. Identifiers: Orphanet 217569, MedGen C0007194, MeSH D002312, MONDO:0005045, HP:0001639.

Allele frequency attached by ClinVar (database versions not stated): gnomAD exomes below 0.00001; ExAC 0.00001; TOPMed 0.00002; gnomAD 0.00003; ESP Exome Variant Server 0.00008.
gnomAD v4.1: 7 of 1,613,870 alleles (0.00043%); highest among the groups gnomAD compares: Admixed American, 0.0067%; no homozygotes.

Submissions (4):

Labcorp Genetics (formerly Invitae), Labcorp
Classification: Likely benign for Hypertrophic cardiomyopathy. Last evaluated: 2026-01-14. Review status: criteria provided, single submitter. Criteria: Invitae Variant Classification Sherloc (09022015). Collection method: clinical testing. Allele origin: germline.

Blueprint Genetics
Classification: Likely benign. Last evaluated: 2024-11-21. Review status: criteria provided, single submitter. Criteria: ACMG Guidelines, 2015. Collection method: clinical testing. Allele origin: germline.

GeneDx
Classification: Likely benign. Last evaluated: 2017-09-11. Review status: criteria provided, single submitter. Criteria: GeneDx Variant Classification (06012015). Collection method: clinical testing. Allele origin: germline. Affected: yes.
Comment: This variant is considered likely benign or benign based on one or more of the following criteria: it is a conservative change, it occurs at a poorly conserved position in the protein, it is predicted to be benign by multiple in silico algorithms, and/or has population frequency not consistent with disease.

PreventionGenetics, part of Exact Sciences
Classification: Likely benign. Review status: criteria provided, single submitter. Criteria: ACMG Guidelines, 2015. Collection method: clinical testing. Allele origin: germline.

NM_000257.4(MYH7):c.3726+17C>T

Gene: MYH7 (myosin heavy chain 7; minus strand). Cytogenetic location: 14q11.2.
Variant type: single nucleotide variant.
Coding change: c.3726+17C>T on transcript NM_000257.4 (MANE Select); 17 bases into the intron after coding-DNA position 3726, C replaced by T.
Molecular consequence: intron variant.
Genome position (GRCh38, 1-based): chr14:23,419,828, G>A on the plus strand (C>T on the coding strand, the complement: MYH7 is on the minus strand). VCF-style: chr14-23419828-G-A. GRCh37 (hg19) VCF-style: chr14-23889037-G-A.
Identifiers: ClinVar variation 188626 (VCV000188626.10), dbSNP rs377463081, ClinGen allele CA013980.